The following is an entry in ClinVar:

ClinVar aggregate classification (germline): Uncertain significance (1 of 4 stars; one submission).

Allele frequency attached by ClinVar (database versions not stated): ExAC 0.00001.
gnomAD v4.1: 6 of 1,581,670 alleles (0.00038%); highest among the groups gnomAD compares: Non-Finnish European, 0.00043%; no homozygotes.

Submission:

Labcorp Genetics (formerly Invitae), Labcorp
Classification: Uncertain significance. Last evaluated: 2022-01-24. Review status: criteria provided, single submitter. Criteria: Invitae Variant Classification Sherloc (09022015). Collection method: clinical testing. Allele origin: germline.
Comment: This sequence change replaces arginine, which is basic and polar, with threonine, which is neutral and polar, at codon 1109 of the TTLL5 protein (p.Arg1109Thr). This variant also falls at the last nucleotide of exon 28, which is part of the consensus splice site for this exon. This variant is present in population databases (rs779546072, gnomAD 0.001%). This variant has not been reported in the literature in individuals affected with TTLL5-related conditions. Algorithms developed to predict the effect of missense changes on protein structure and function are either unavailable or do not agree on the potential impact of this missense change (SIFT: "Deleterious"; PolyPhen-2: "Possibly Damaging"; Align-GVGD: "Class C0"). Variants that disrupt the consensus splice site are a relatively common cause of aberrant splicing (PMID: 17576681, 9536098). Algorithms developed to predict the effect of sequence changes on RNA splicing suggest that this variant may disrupt the consensus splice site. In summary, the available evidence is currently insufficient to determine the role of this variant in disease. Therefore, it has been classified as a Variant of Uncertain Significance.

Literature cited by the submitters: PubMed 17576681; PubMed 9536098.

NM_015072.5(TTLL5):c.3326G>C (p.Arg1109Thr)

Gene: TTLL5 (tubulin tyrosine ligase like 5; plus strand). Cytogenetic location: 14q24.3.
Variant type: single nucleotide variant.
Coding change: c.3326G>C on transcript NM_015072.5 (MANE Select); coding-DNA position 3326, G replaced by C.
Protein change: p.Arg1109Thr; replaces arginine 1109 with threonine.
Molecular consequence: missense variant.
Genome position (GRCh38, 1-based): chr14:75,820,161, G>C. VCF-style: chr14-75820161-G-C. GRCh37 (hg19) VCF-style: chr14-76286504-G-C.
Other names: short protein forms R1109T.
Identifiers: ClinVar variation 2039278 (VCV002039278.4), dbSNP rs779546072, ClinGen allele CA7279976.